The following is an entry in ClinVar:

ClinVar aggregate classification (germline): Uncertain significance (1 of 4 stars; one submission).

Submission:

CeGaT Center for Human Genetics Tuebingen
Classification: Uncertain significance. Last evaluated: 2026-02-01. Review status: criteria provided, single submitter. Criteria: CeGaT Center For Human Genetics Tuebingen Variant Classification Criteria Version 2. Collection method: clinical testing. Allele origin: germline. Affected: yes. Observed: 1 variant allele.
Comment: COPB2: PM2, PP3

NM_004766.3(COPB2):c.1600T>C (p.Phe534Leu)

Gene: COPB2 (coat protein complex I subunit beta 2; minus strand). Cytogenetic location: 3q23.
Variant type: single nucleotide variant.
Coding change: c.1600T>C on transcript NM_004766.3 (MANE Select); coding-DNA position 1600, T replaced by C.
Protein change: p.Phe534Leu; replaces phenylalanine 534 with leucine.
Molecular consequence: missense variant. On other transcripts: non-coding transcript variant (1).
Genome position (GRCh38, 1-based): chr3:139,367,091, A>G on the plus strand (T>C on the coding strand, the complement: COPB2 is on the minus strand). VCF-style: chr3-139367091-A-G. GRCh37 (hg19) VCF-style: chr3-139085933-A-G.
Other names: c.1513T>C, p.Phe505Leu (NM_001410834.1); short protein forms F505L, F534L.
Identifiers: ClinVar variation 4823451 (VCV004823451.4).